The following is an entry in ClinVar:

ClinVar aggregate classification (germline): Likely pathogenic (1 of 4 stars; one submission).

Conditions:
Wiedemann-Steiner syndrome (WDSTS). Also called: Growth deficiency and mental retardation with facial dysmorphism. Identifiers: Orphanet 319182, MedGen C1854630, MONDO:0011518, OMIM 605130.

Submission:

3billion
Classification: Likely pathogenic for Wiedemann-Steiner syndrome. Last evaluated: 2025-12-24. Review status: criteria provided, single submitter. Criteria: ACMG Guidelines, 2015. Collection method: clinical testing. Allele origin: germline. Affected: yes.
Comment: The variant is not observed in the gnomAD v4.1.0 dataset. Predicted Consequence/Location: The variant is located in a mutational hot spot and/or well-established functional domain in which established pathogenic variants have been reported. In silico tool predictions suggest damaging effect of the variant on gene or gene product [REVEL: 0.85 (>=0.6, sensitivity 0.68 and specificity 0.92); 3Cnet: 0.99 (> 0.75, sensitivity 0.96 and precision 0.92)]. Different missense changes at the same codon (p.Gly1181Arg, p.Gly1181Asp, p.Gly1181Cys) have been reported as pathogenic/likely pathogenic with strong evidence (ClinVar ID: VCV000859162, VCV001465783, VCV002683841 /PMID: 29574747). Therefore, this variant is classified as Likely pathogenic according to the recommendation of ACMG/AMP guideline.

Literature cited by the submitters: PubMed 29574747.

NM_001197104.2(KMT2A):c.3542G>T (p.Gly1181Val)

Gene: KMT2A (lysine methyltransferase 2A; plus strand). Cytogenetic location: 11q23.3.
Variant type: single nucleotide variant.
Coding change: c.3542G>T on transcript NM_001197104.2 (MANE Select); coding-DNA position 3542, G replaced by T.
Protein change: p.Gly1181Val; replaces glycine 1181 with valine.
Molecular consequence: missense variant.
Genome position (GRCh38, 1-based): chr11:118,478,174, G>T. VCF-style: chr11-118478174-G-T. GRCh37 (hg19) VCF-style: chr11-118348889-G-T.
Other names: c.3641G>T, p.Gly1214Val (NM_001412597.1); c.3542G>T, p.Gly1181Val (NM_005933.4); short protein forms G1181V, G1214V.
Identifiers: ClinVar variation 4855232 (VCV004855232.1).